The following is an entry in ClinVar:

NM_004933.3(CDH15):c.274C>G (p.Arg92Gly)

Gene: CDH15 (cadherin 15; plus strand). Cytogenetic location: 16q24.3.
Variant type: single nucleotide variant.
Coding change: c.274C>G on transcript NM_004933.3 (MANE Select); coding-DNA position 274, C replaced by G.
Protein change: p.Arg92Gly; replaces arginine 92 with glycine.
Molecular consequence: missense variant.
Genome position (GRCh38, 1-based): chr16:89,180,272, C>G. VCF-style: chr16-89180272-C-G. GRCh37 (hg19) VCF-style: chr16-89246680-C-G.
Other names: short protein forms R92G.
Identifiers: ClinVar variation 3242152 (VCV003242152.1), dbSNP rs121434540.

ClinVar aggregate classification (germline): Uncertain significance (1 of 4 stars; one submission).

Conditions:
Intellectual developmental disorder, autosomal dominant 3. Also called: Intellectual disability, autosomal dominant 3. Identifiers: MedGen C2675488, MONDO:0012946, OMIM 612580.

Submission:

Neuberg Centre For Genomic Medicine, NCGM
Classification: Uncertain significance for Intellectual developmental disorder, autosomal dominant 3. Review status: criteria provided, single submitter. Criteria: ACMG Guidelines, 2015. Collection method: clinical testing. Allele origin: germline. Inheritance: Autosomal dominant inheritance. Affected: yes.
Comment: The missense variant c.274C>G (p.Arg92Gly) in the CDH15 gene has not been reported previously as a pathogenic variant nor as a benign variant, to our knowledge. This variant is absent in gnomAD Exomes and 1000 Genomes. The amino acid Arginine at position 92 is changed to a Glycine changing protein sequence and it might alter its composition and physico-chemical properties. The amino acid change p.Arg92Gly in CDH15 is predicted as conserved by GERP++ and PhyloP across 100 vertebrates. For these reasons, this variant has been classified as Uncertain Significance.